The following is an entry in ClinVar:

ClinVar aggregate classification (germline): Pathogenic/Likely pathogenic. Review status: criteria provided, multiple submitters, no conflicts (2 of 4 stars). 4 submissions from 4 submitters: Pathogenic (3); Likely pathogenic (1). Last evaluated 2025-12-01.

Conditions:
Hereditary cancer-predisposing syndrome. Also called: Hereditary Cancer Syndrome; Neoplastic Syndromes, Hereditary; Tumor predisposition; Hereditary neoplastic syndrome. Identifiers: Orphanet 140162, MedGen C0027672, MeSH D009386, MONDO:0015356.
Hereditary breast ovarian cancer syndrome. Also called: Breast and ovarian cancer; Hereditary breast and ovarian cancer; Hereditary breast and/or ovarian cancer syndrome; BRCA1- and BRCA2-Associated Hereditary Breast and Ovarian Cancer; Hereditary breast and ovarian cancer syndrome (HBOC); Hereditary breast and ovarian cancer syndrome. Identifiers: Orphanet 145, MedGen C0677776, MeSH D061325, MONDO:0003582. Disease mechanism: loss of function.

Submissions (4):

Women's Health and Genetics/Laboratory Corporation of America, LabCorp
Classification: Pathogenic for Hereditary breast ovarian cancer syndrome. Last evaluated: 2025-12-01. Review status: criteria provided, single submitter. Criteria: LabCorp Variant Classification Summary - May 2015. Collection method: clinical testing. Allele origin: germline.
Comment: Variant summary: BRCA2 c.5386_5393delGATGCAAA (p.Asp1796CysfsX8) results in a premature termination codon, predicted to cause a truncation of the encoded protein or absence of the protein due to nonsense mediated decay, which are commonly known mechanisms for disease. The variant was absent in 251012 control chromosomes. To our knowledge, no occurrence of c.5386_5393delGATGCAAA in individuals affected with BRCA2-related conditions and no experimental evidence demonstrating its impact on protein function have been reported. ClinVar contains an entry for this variant (Variation ID: 1747191). Based on the evidence outlined above, the variant was classified as pathogenic.

Labcorp Genetics (formerly Invitae), Labcorp
Classification: Pathogenic for Hereditary breast ovarian cancer syndrome. Last evaluated: 2025-10-07. Review status: criteria provided, single submitter. Criteria: Invitae Variant Classification Sherloc (09022015). Collection method: clinical testing. Allele origin: germline.
Comment: This sequence change creates a premature translational stop signal (p.Asp1796Cysfs*8) in the BRCA2 gene. It is expected to result in an absent or disrupted protein product. Loss-of-function variants in BRCA2 are known to be pathogenic (PMID: 20104584). This variant is not present in population databases (gnomAD no frequency). This variant has not been reported in the literature in individuals affected with BRCA2-related conditions. ClinVar contains an entry for this variant (Variation ID: 1747191). For these reasons, this variant has been classified as Pathogenic.

Institute of Human Genetics, FAU Erlangen, Friedrich-Alexander-Universität Erlangen-Nürnberg
Classification: Likely pathogenic. Last evaluated: 2023-10-06. Review status: criteria provided, single submitter. Criteria: Hauer et al. (Genet Med. 2018). Collection method: clinical testing. Allele origin: germline. Inheritance: Unknown mechanism. Affected: yes. Observed: 1 variant allele.
Comment: This variant has been identified by standard clinical testing.

Ambry Genetics
Classification: Pathogenic for Hereditary cancer-predisposing syndrome. Last evaluated: 2016-01-05. Review status: criteria provided, single submitter. Criteria: Ambry Variant Classification Scheme 2023. Collection method: clinical testing. Allele origin: germline.
Comment: The c.5386_5393delGATGCAAA pathogenic mutation, located in coding exon 10 of the BRCA2 gene, results from a deletion of 8 nucleotides at nucleotide positions 5386 to 5393, causing a translational frameshift with a predicted alternate stop codon. Since frameshifts are typically deleterious in nature, this alteration is interpreted as a disease-causing mutation (ACMG Recommendations for Standards for Interpretation and Reporting of Sequence Variations. Revision 2007. Genet Med. 2008;10:294).

Literature cited by the submitters: PubMed 20104584 (cited by Labcorp Genetics (formerly Invitae), Labcorp).

NM_000059.4(BRCA2):c.5386_5393del (p.Asp1796fs)

Gene: BRCA2 (BRCA2 DNA repair associated; plus strand). Cytogenetic location: 13q13.1.
Variant type: Deletion.
Coding change: c.5386_5393del on transcript NM_000059.4 (MANE Select); coding-DNA positions 5386 to 5393, 8 bases deleted (GATGCAAA; older notation c.5386_5393delGATGCAAA).
Protein change: p.Asp1796fs; shifts the reading frame from aspartic acid 1796.
Molecular consequence: frameshift variant.
Genome position (GRCh38, 1-based): chr13:32,339,741-32,339,748, GATGCAAA deleted; deleting any 8 consecutive bases within chr13:32,339,738-32,339,748 gives the same sequence; the c. name uses the placement nearest the transcript's 3' end. VCF-style (leftmost placement, unchanged base first): chr13-32339737-AAAAGATGC-A. GRCh37 (hg19) VCF-style: chr13-32913874-AAAAGATGC-A.
Other names: c.5386_5393delGATGCAAA, p.Asp1796Cysfs (NM_001406719.1, NM_001406720.1); c.5386_5393delGATGCAAA (NM_000059.4); short protein forms D1796fs.
Identifiers: ClinVar variation 1747191 (VCV001747191.7), dbSNP rs2548530671, ClinGen allele CA2580087363.